The following is an entry in ClinVar:

ClinVar aggregate classification (germline): Uncertain significance (1 of 4 stars; one submission).

Conditions:
Fanconi anemia complementation group J. Also called: BRIP1-Related Fanconi Anemia. Identifiers: Orphanet 84, MedGen C1836860, MONDO:0012187, OMIM 609054.
Familial cancer of breast. Also called: BREAST CANCER, FAMILIAL; Hereditary breast cancer; hereditary breast carcinoma. Identifiers: Orphanet 227535, MedGen C0346153, MONDO:0016419, OMIM 114480. Disease mechanism: loss of function.

Submission:

Labcorp Genetics (formerly Invitae), Labcorp
Classification: Uncertain significance for Familial cancer of breast; Fanconi anemia complementation group J. Last evaluated: 2024-11-26. Review status: criteria provided, single submitter. Criteria: Invitae Variant Classification Sherloc (09022015). Collection method: clinical testing. Allele origin: germline.
Comment: This sequence change replaces histidine, which is basic and polar, with proline, which is neutral and non-polar, at codon 1200 of the BRIP1 protein (p.His1200Pro). This variant is not present in population databases (gnomAD no frequency). This variant has not been reported in the literature in individuals affected with BRIP1-related conditions. Invitae Evidence Modeling of protein sequence and biophysical properties (such as structural, functional, and spatial information, amino acid conservation, physicochemical variation, residue mobility, and thermodynamic stability) indicates that this missense variant is not expected to disrupt BRIP1 protein function with a negative predictive value of 95%. In summary, the available evidence is currently insufficient to determine the role of this variant in disease. Therefore, it has been classified as a Variant of Uncertain Significance.

NM_032043.3(BRIP1):c.3599A>C (p.His1200Pro)

Gene: BRIP1 (BRCA1 interacting DNA helicase 1; minus strand). Cytogenetic location: 17q23.2.
Variant type: single nucleotide variant.
Coding change: c.3599A>C on transcript NM_032043.3 (MANE Select); coding-DNA position 3599, A replaced by C.
Protein change: p.His1200Pro; replaces histidine 1200 with proline.
Molecular consequence: missense variant.
Genome position (GRCh38, 1-based): chr17:61,683,447, T>G on the plus strand (A>C on the coding strand, the complement: BRIP1 is on the minus strand). VCF-style: chr17-61683447-T-G. GRCh37 (hg19) VCF-style: chr17-59760808-T-G.
Other names: short protein forms H1200P.
Identifiers: ClinVar variation 3759042 (VCV003759042.2).